The following is an entry in ClinVar:

NM_006017.3(PROM1):c.2383T>C (p.Trp795Arg)

Gene: PROM1 (prominin 1; minus strand). Cytogenetic location: 4p15.32.
Variant type: single nucleotide variant.
Coding change: c.2383T>C on transcript NM_006017.3 (MANE Select); coding-DNA position 2383, T replaced by C.
Protein change: p.Trp795Arg; replaces tryptophan 795 with arginine.
Molecular consequence: missense variant.
Genome position (GRCh38, 1-based): chr4:15,980,528, A>G on the plus strand (T>C on the coding strand, the complement: PROM1 is on the minus strand). VCF-style: chr4-15980528-A-G. GRCh37 (hg19) VCF-style: chr4-15982151-A-G.
Other names: c.2356T>C, p.Trp786Arg (NM_001145847.2, NM_001145848.2, NM_001145851.2 and 4 more transcripts); c.2383T>C, p.Trp795Arg (NM_001145849.2, NM_001145850.2); short protein forms W786R, W795R.
Identifiers: ClinVar variation 2203535 (VCV002203535.4), dbSNP rs1323469429, ClinGen allele CA356426834.

ClinVar aggregate classification (germline): Uncertain significance (1 of 4 stars; one submission).

Allele frequency attached by ClinVar (database versions not stated): gnomAD exomes below 0.00001.
gnomAD v4.1: 1 of 1,531,082 alleles (0.000065%); highest among the groups gnomAD compares: South Asian, 0.0012%; no homozygotes.

Submission:

Labcorp Genetics (formerly Invitae), Labcorp
Classification: Uncertain significance. Last evaluated: 2022-03-09. Review status: criteria provided, single submitter. Criteria: Invitae Variant Classification Sherloc (09022015). Collection method: clinical testing. Allele origin: germline.
Comment: In summary, the available evidence is currently insufficient to determine the role of this variant in disease. Therefore, it has been classified as a Variant of Uncertain Significance. This sequence change replaces tryptophan, which is neutral and slightly polar, with arginine, which is basic and polar, at codon 795 of the PROM1 protein (p.Trp795Arg). This variant is present in population databases (no rsID available, gnomAD 0.005%). This missense change has been observed in individual(s) with autosomal recessive PROM1-related conditions (PMID: 26103963). In at least one individual the data is consistent with being in trans (on the opposite chromosome) from a pathogenic variant. Algorithms developed to predict the effect of missense changes on protein structure and function are either unavailable or do not agree on the potential impact of this missense change (SIFT: "Deleterious"; PolyPhen-2: "Probably Damaging"; Align-GVGD: "Class C0").

Literature cited by the submitters: PubMed 26103963.